The following is an entry in ClinVar:

NM_000061.3(BTK):c.1840del (p.Leu614fs)

Gene: BTK (Bruton tyrosine kinase; minus strand). Cytogenetic location: Xq22.1.
Variant type: Deletion.
Coding change: c.1840del on transcript NM_000061.3 (MANE Select); coding-DNA position 1840, one base deleted (C; older notation c.1840delC).
Protein change: p.Leu614fs; shifts the reading frame from leucine 614.
Molecular consequence: frameshift variant.
Genome position (GRCh38, 1-based): chrX:101,353,262, G deleted on the plus strand (C on the coding strand, the reverse complement: BTK is on the minus strand); the first of 2 consecutive G bases (chrX:101,353,262-101,353,263); deleting either gives the same sequence. VCF-style (leftmost placement, unchanged base first): chrX-101353261-AG-A. GRCh37 (hg19) VCF-style: chrX-100608249-AG-A.
Other names: c.1942del, p.Leu648fs (NM_001287344.2); c.1312del, p.Leu438fs (NM_001287345.2); short protein forms L438fs, L614fs, L648fs.
Identifiers: ClinVar variation 2583085 (VCV002583085.25), dbSNP rs2520527624, ClinGen allele CA2582342924.
Genomic context (GRCh38, chrX:101,353,261, plus strand): 5'-CAGCAACTGTACATGATGGTATATACCTTCTCTGAAGCCAGATGAGGCCTGTAGAGACGT[AG>A]GCCTTGGGCAATGTGTTCAGCAGTCTCACTGTTAGTAAATCTCTCATATGGCATCTTCCC-3'

ClinVar aggregate classification (germline): Likely pathogenic (1 of 4 stars; one submission).

Submission:

CeGaT Center for Human Genetics Tuebingen
Classification: Likely pathogenic. Last evaluated: 2023-09-01. Review status: criteria provided, single submitter. Criteria: CeGaT Center For Human Genetics Tuebingen Variant Classification Criteria Version 2. Collection method: clinical testing. Allele origin: germline. Affected: yes. Observed: 1 variant allele.
Comment: BTK: PVS1:Strong, PM2, PP4